The following is an entry in ClinVar:

NM_001697.3(ATP5PO):c.218A>G (p.Lys73Arg)

Gene: ATP5PO (ATP synthase peripheral stalk subunit OSCP; minus strand). Cytogenetic location: 21q22.11.
Variant type: single nucleotide variant.
Coding change: c.218A>G on transcript NM_001697.3 (MANE Select); coding-DNA position 218, A replaced by G.
Protein change: p.Lys73Arg; replaces lysine 73 with arginine.
Molecular consequence: missense variant.
Genome position (GRCh38, 1-based): chr21:33,909,192, T>C on the plus strand (A>G on the coding strand, the complement: ATP5PO is on the minus strand). VCF-style: chr21-33909192-T-C. GRCh37 (hg19) VCF-style: chr21-35281496-T-C.
Other names: short protein forms K73R.
Identifiers: ClinVar variation 3770426 (VCV003770426.13).

ClinVar aggregate classification (germline): Likely benign (1 of 4 stars; one submission).

gnomAD v4.1: 8,086 of 1,613,280 alleles (0.5%); highest among the groups gnomAD compares: Middle Eastern, 1.4%; 32 homozygotes.

Submission:

CeGaT Center for Human Genetics Tuebingen
Classification: Likely benign. Last evaluated: 2026-02-01. Review status: criteria provided, single submitter. Criteria: CeGaT Center For Human Genetics Tuebingen Variant Classification Criteria Version 2. Collection method: clinical testing. Allele origin: germline. Affected: yes. Observed: 3 variant alleles.
Comment: ATP5PO: BP4, BS2